The following is an entry in ClinVar:

NM_181872.6(DMRT2):c.596C>T (p.Ala199Val)

Gene: DMRT2 (doublesex and mab-3 related transcription factor 2; plus strand). Cytogenetic location: 9p24.3.
Variant type: single nucleotide variant.
Coding change: c.596C>T on transcript NM_181872.6 (MANE Select); coding-DNA position 596, C replaced by T.
Protein change: p.Ala199Val; replaces alanine 199 with valine.
Molecular consequence: missense variant. On other transcripts: 5 prime UTR variant (1), non-coding transcript variant (1).
Genome position (GRCh38, 1-based): chr9:1,053,792, C>T. VCF-style: chr9-1053792-C-T. GRCh37 (hg19) VCF-style: chr9-1053792-C-T.
Other names: c.596C>T, p.Ala199Val (NM_001130865.3, NM_001370531.1, NM_001370533.1 and 4 more transcripts); c.74C>T, p.Ala25Val (NM_001370532.1); c.-104C>T (NM_001387560.1); short protein forms A199V, A25V.
Identifiers: ClinVar variation 2126409 (VCV002126409.4), dbSNP rs1221362531, ClinGen allele CA372774823.

ClinVar aggregate classification (germline): Uncertain significance (1 of 4 stars; one submission).

gnomAD v4.1: 1 of 1,613,804 alleles (0.000062%); highest among the groups gnomAD compares: Admixed American, 0.0017%; no homozygotes.

Submission:

Labcorp Genetics (formerly Invitae), Labcorp
Classification: Uncertain significance. Last evaluated: 2022-03-29. Review status: criteria provided, single submitter. Criteria: Invitae Variant Classification Sherloc (09022015). Collection method: clinical testing. Allele origin: germline.
Comment: This sequence change replaces alanine, which is neutral and non-polar, with valine, which is neutral and non-polar, at codon 199 of the DMRT2 protein (p.Ala199Val). This variant is present in population databases (no rsID available, gnomAD 0.1%). This variant has not been reported in the literature in individuals affected with DMRT2-related conditions. Algorithms developed to predict the effect of missense changes on protein structure and function (SIFT, PolyPhen-2, Align-GVGD) all suggest that this variant is likely to be tolerated. In summary, the available evidence is currently insufficient to determine the role of this variant in disease. Therefore, it has been classified as a Variant of Uncertain Significance.